The following is an entry in ClinVar:

NM_005612.5(REST):c.2228A>T (p.Glu743Val)

Gene: REST (RE1 silencing transcription factor; plus strand). Cytogenetic location: 4q12.
Variant type: single nucleotide variant.
Coding change: c.2228A>T on transcript NM_005612.5 (MANE Select); coding-DNA position 2228, A replaced by T.
Protein change: p.Glu743Val; replaces glutamic acid 743 with valine.
Molecular consequence: missense variant.
Genome position (GRCh38, 1-based): chr4:56,931,086, A>T. VCF-style: chr4-56931086-A-T. GRCh37 (hg19) VCF-style: chr4-57797252-A-T.
Other names: c.2228A>T, p.Glu743Val (NM_001193508.2, NM_001363453.3); short protein forms E743V.
Identifiers: ClinVar variation 2887334 (VCV002887334.3), dbSNP rs2475852310, ClinGen allele CA357008354.

ClinVar aggregate classification (germline): Uncertain significance (1 of 4 stars; one submission).

Allele frequency attached by ClinVar (database versions not stated): gnomAD exomes below 0.00001.
gnomAD v4.1: 5 of 1,385,012 alleles (0.00036%); highest among the groups gnomAD compares: East Asian, 0.01%; no homozygotes.

Submission:

Labcorp Genetics (formerly Invitae), Labcorp
Classification: Uncertain significance. Last evaluated: 2023-09-25. Review status: criteria provided, single submitter. Criteria: Invitae Variant Classification Sherloc (09022015). Collection method: clinical testing. Allele origin: germline.
Comment: This sequence change replaces glutamic acid, which is acidic and polar, with valine, which is neutral and non-polar, at codon 743 of the REST protein (p.Glu743Val). In summary, the available evidence is currently insufficient to determine the role of this variant in disease. Therefore, it has been classified as a Variant of Uncertain Significance. An algorithm developed to predict the effect of missense changes on protein structure and function (PolyPhen-2) suggests that this variant is likely to be tolerated. This variant has not been reported in the literature in individuals affected with REST-related conditions. This variant is not present in population databases (gnomAD no frequency).